The following is an entry in ClinVar:

ClinVar aggregate classification (germline): Likely pathogenic (1 of 4 stars; one submission).

Conditions:
Familial adenomatous polyposis 1 (FAP1). Also called: FAMILIAL ADENOMATOUS POLYPOSIS 1, ATTENUATED; POLYPOSIS, ADENOMATOUS INTESTINAL. Identifiers: MedGen C2713442, MONDO:0021056, OMIM 175100. Disease mechanism: loss of function.

Submission:

Labcorp Genetics (formerly Invitae), Labcorp
Classification: Likely pathogenic for Familial adenomatous polyposis 1. Last evaluated: 2020-07-07. Review status: criteria provided, single submitter. Criteria: Invitae Variant Classification Sherloc (09022015). Collection method: clinical testing. Allele origin: germline.
Comment: This variant results in a copy number gain of the genomic region encompassing exon 15 of the APC gene. While the exact position of this variant cannot be determined from the data, sub-genic copy number gains are generally in tandem (PMID: 25640679). This variant is predicted to be out-of-frame, and may result in an absent or disrupted protein product. This variant has not been reported in the literature in individuals with APC-related conditions. Loss-of-function variants in APC are known to be pathogenic (PMID: 17963004, 20685668). In summary, the currently available evidence indicates that the variant is pathogenic, but additional data are needed to prove that conclusively. Therefore, this variant has been classified as Likely Pathogenic.

Literature cited by the submitters: PubMed 25640679; PubMed 17963004; PubMed 20685668.

NC_000005.9:g.(?_112170638)_(112170872_?)dup

Gene: APC (APC regulator of Wnt signaling pathway; plus strand). Cytogenetic location: 5q22.2.
Variant type: Duplication.
Identifiers: ClinVar variation 1067081 (VCV001067081.46).